The following is an entry in ClinVar:

ClinVar aggregate classification (germline): Likely benign (1 of 4 stars; one submission).

gnomAD v4.1: 1,227 of 1,515,194 alleles (0.081%); highest among the groups gnomAD compares: Non-Finnish European, 0.098%; 101 homozygotes.

Submission:

CeGaT Center for Human Genetics Tuebingen
Classification: Likely benign. Last evaluated: 2026-05-01. Review status: criteria provided, single submitter. Criteria: CeGaT Center For Human Genetics Tuebingen Variant Classification Criteria Version 2. Collection method: clinical testing. Allele origin: germline. Affected: yes. Observed: 2 variant alleles.
Comment: OR11H12: BP4, BS2

NM_001013354.1(OR11H12):c.188T>C (p.Val63Ala)

Gene: OR11H12 (olfactory receptor family 11 subfamily H member 12; plus strand). Cytogenetic location: 14q11.2.
Variant type: single nucleotide variant.
Coding change: c.188T>C on transcript NM_001013354.1 (MANE Select); coding-DNA position 188, T replaced by C.
Protein change: p.Val63Ala; replaces valine 63 with alanine.
Molecular consequence: missense variant.
Genome position (GRCh38, 1-based): chr14:18,601,304, T>C. VCF-style: chr14-18601304-T-C. GRCh37 (hg19) VCF-style: chr14-19377781-T-C.
Other names: short protein forms V63A.
Identifiers: ClinVar variation 4084369 (VCV004084369.8).